The following is an entry in ClinVar:

NM_138927.4(SON):c.490G>A (p.Ala164Thr)

Gene: SON (SON DNA and RNA binding protein; plus strand). Cytogenetic location: 21q22.11.
Variant type: single nucleotide variant.
Coding change: c.490G>A on transcript NM_138927.4 (MANE Select); coding-DNA position 490, G replaced by A.
Protein change: p.Ala164Thr; replaces alanine 164 with threonine.
Molecular consequence: missense variant. On other transcripts: non-coding transcript variant (1), intron variant (1).
Genome position (GRCh38, 1-based): chr21:33,549,721, G>A. VCF-style: chr21-33549721-G-A. GRCh37 (hg19) VCF-style: chr21-34922027-G-A.
Other names: c.490G>A, p.Ala164Thr (NM_001291411.2, NM_032195.3); c.244+3342G>A (NM_001291412.3); short protein forms A164T.
Identifiers: ClinVar variation 873535 (VCV000873535.4), dbSNP rs775502003, ClinGen allele CA410151213.

ClinVar aggregate classification (germline): Uncertain significance (1 of 4 stars; one submission).

Conditions:
ZTTK syndrome (ZTTKS). Also called: Zhu-Tokita-Takenouchi-Kim Syndrome; ZTTK MULTIPLE CONGENITAL ANOMALIES-MENTAL RETARDATION SYNDROME. Identifiers: Orphanet 500150, MedGen C4310696, MONDO:0014936, OMIM 617140.

Submission:

Illumina Laboratory Services, Illumina
Classification: Uncertain significance for ZTTK syndrome. Last evaluated: 2020-01-29. Review status: criteria provided, single submitter. Criteria: ICSLVariantClassificationCriteria RUGD 01 April 2020. Collection method: clinical testing. Allele origin: unknown.
Comment: The SON c.490G>A (p.Ala164Thr) variant is a missense variant. A literature search was performed for the gene, cDNA change, and amino acid change. No publications were found based on this search. This variant is not found in the the Genome Aggregation Database in a region of good sequence coverage, so the variant is presumed to be rare. Based on the limited evidence, the p.Ala164Thr variant is classified as a variant of unknown significance for ZTTK syndrome.